The following is an entry in ClinVar:

ClinVar aggregate classification (germline): Uncertain significance (1 of 4 stars; one submission).

Submission:

Labcorp Genetics (formerly Invitae), Labcorp
Classification: Uncertain significance. Last evaluated: 2022-03-10. Review status: criteria provided, single submitter. Criteria: Invitae Variant Classification Sherloc (09022015). Collection method: clinical testing. Allele origin: germline.
Comment: In summary, the available evidence is currently insufficient to determine the role of this variant in disease. Therefore, it has been classified as a Variant of Uncertain Significance. Advanced modeling of protein sequence and biophysical properties (such as structural, functional, and spatial information, amino acid conservation, physicochemical variation, residue mobility, and thermodynamic stability) performed at Invitae indicates that this missense variant is not expected to disrupt MAK protein function. This variant has not been reported in the literature in individuals affected with MAK-related conditions. This variant is not present in population databases (gnomAD no frequency). This sequence change replaces glycine with glutamic acid at codon 612 of the MAK protein (p.Gly612Glu). The glycine residue is moderately conserved and there is a moderate physicochemical difference between glycine and glutamic acid.

NM_001242957.3(MAK):c.1835G>A (p.Gly612Glu)

Gene: MAK (male germ cell associated kinase; minus strand). Cytogenetic location: 6p24.2.
Variant type: single nucleotide variant.
Coding change: c.1835G>A on transcript NM_001242957.3 (MANE Select); coding-DNA position 1835, G replaced by A.
Protein change: p.Gly612Glu; replaces glycine 612 with glutamic acid.
Molecular consequence: missense variant. On other transcripts: non-coding transcript variant (2).
Genome position (GRCh38, 1-based): chr6:10,764,564, C>T on the plus strand (G>A on the coding strand, the complement: MAK is on the minus strand). VCF-style: chr6-10764564-C-T. GRCh37 (hg19) VCF-style: chr6-10764797-C-T.
Other names: c.1640G>A, p.Gly547Glu (NM_001242385.2); c.1538G>A, p.Gly513Glu (NM_001377262.1); c.1760G>A, p.Gly587Glu (NM_005906.6); short protein forms G547E, G513E, G587E, G612E.
Identifiers: ClinVar variation 1448732 (VCV001448732.6), dbSNP rs2127500989, ClinGen allele CA362719352.